The following is an entry in ClinVar:

NM_001453.3(FOXC1):c.1154G>A (p.Gly385Glu)

Gene: FOXC1 (forkhead box C1; plus strand). Cytogenetic location: 6p25.3.
Variant type: single nucleotide variant.
Coding change: c.1154G>A on transcript NM_001453.3 (MANE Select); coding-DNA position 1154, G replaced by A.
Protein change: p.Gly385Glu; replaces glycine 385 with glutamic acid.
Molecular consequence: missense variant.
Genome position (GRCh38, 1-based): chr6:1,611,599, G>A. VCF-style: chr6-1611599-G-A. GRCh37 (hg19) VCF-style: chr6-1611834-G-A.
Other names: short protein forms G385E.
Identifiers: ClinVar variation 537390 (VCV000537390.11), dbSNP rs1215019381, ClinGen allele CA362560324.

ClinVar aggregate classification (germline): Conflicting classifications of pathogenicity. Review status: criteria provided, conflicting classifications (1 of 4 stars). 3 submissions from 3 submitters: Uncertain significance (2); Likely benign (1). Last evaluated 2025-02-24.

Conditions:
Axenfeld-Rieger syndrome type 3 (RIEG3). Also called: AXENFELD-RIEGER ANOMALY WITH CARDIAC DEFECTS AND/OR SENSORINEURAL HEARING LOSS. Identifiers: Orphanet 782, MedGen C2678503, MONDO:0011233, OMIM 602482.
Inborn genetic diseases. Identifiers: MedGen C0950123, MeSH D030342.

Allele frequency attached by ClinVar (database versions not stated): gnomAD 0.00002; gnomAD exomes 0.00002.
gnomAD v4.1: 23 of 1,172,244 alleles (0.002%); highest among the groups gnomAD compares: Non-Finnish European, 0.0024%; no homozygotes.

Submissions (3):

Ambry Genetics
Classification: Uncertain significance for Inborn genetic diseases. Last evaluated: 2025-02-24. Review status: criteria provided, single submitter. Criteria: Ambry Variant Classification Scheme 2023. Collection method: clinical testing. Allele origin: germline.

Blueprint Genetics
Classification: Likely benign. Last evaluated: 2024-10-06. Review status: criteria provided, single submitter. Criteria: ACMG Guidelines, 2015. Collection method: clinical testing. Allele origin: germline.

Labcorp Genetics (formerly Invitae), Labcorp
Classification: Uncertain significance for Axenfeld-Rieger syndrome type 3. Last evaluated: 2024-02-03. Review status: criteria provided, single submitter. Criteria: Invitae Variant Classification Sherloc (09022015). Collection method: clinical testing. Allele origin: germline.
Comment: This sequence change replaces glycine, which is neutral and non-polar, with glutamic acid, which is acidic and polar, at codon 385 of the FOXC1 protein (p.Gly385Glu). The frequency data for this variant in the population databases is considered unreliable, as metrics indicate poor data quality at this position in the gnomAD database. This variant has not been reported in the literature in individuals affected with FOXC1-related conditions. ClinVar contains an entry for this variant (Variation ID: 537390). An algorithm developed to predict the effect of missense changes on protein structure and function (PolyPhen-2) suggests that this variant is likely to be disruptive. In summary, the available evidence is currently insufficient to determine the role of this variant in disease. Therefore, it has been classified as a Variant of Uncertain Significance.